The following is an entry in ClinVar:

NM_002230.4(JUP):c.208+4A>G

Gene: JUP (junction plakoglobin; minus strand). Cytogenetic location: 17q21.2.
Variant type: single nucleotide variant.
Coding change: c.208+4A>G on transcript NM_002230.4 (MANE Select); 4 bases into the intron after coding-DNA position 208, A replaced by G.
Molecular consequence: intron variant.
Genome position (GRCh38, 1-based): chr17:41,771,643, T>C on the plus strand (A>G on the coding strand, the complement: JUP is on the minus strand). VCF-style: chr17-41771643-T-C. GRCh37 (hg19) VCF-style: chr17-39927895-T-C.
Other names: c.208+4A>G (NM_001352774.2, NM_021991.4, NM_001352776.2 and 3 more transcripts).
Identifiers: ClinVar variation 4789911 (VCV004789911.1).

ClinVar aggregate classification (germline): Uncertain significance (1 of 4 stars; one submission).

Conditions:
Naxos disease (NXD). Also called: KERATOSIS PALMOPLANTARIS WITH ARRHYTHMOGENIC CARDIOMYOPATHY; MAL DE NAXOS; PALMOPLANTAR KERATODERMA WITH ARRHYTHMOGENIC RIGHT VENTRICULAR CARDIOMYOPATHY AND WOOLLY HAIR; WOOLLY HAIR, PALMOPLANTAR KERATODERMA, AND CARDIAC ABNORMALITIES; CARDIOMYOPATHY, ARRHYTHMOGENIC RIGHT VENTRICULAR, WITH SKIN, HAIR, AND NAIL ABNORMALITIES. Identifiers: Orphanet 34217, MedGen C1832600, MONDO:0011017, OMIM 601214.
Arrhythmogenic right ventricular dysplasia 12. Also called: ARRHYTHMOGENIC RIGHT VENTRICULAR DYSPLASIA, FAMILIAL, 12. Identifiers: MedGen C1969081, MONDO:0012684, OMIM 611528.

Submission:

Labcorp Genetics (formerly Invitae), Labcorp
Classification: Uncertain significance for Arrhythmogenic right ventricular dysplasia 12; Naxos disease. Last evaluated: 2025-12-25. Review status: criteria provided, single submitter. Criteria: Invitae Variant Classification Sherloc (09022015). Collection method: clinical testing. Allele origin: germline.
Comment: This sequence change falls in intron 2 of the JUP gene. It does not directly change the encoded amino acid sequence of the JUP protein. It affects a nucleotide within the consensus splice site. This variant is not present in population databases (gnomAD no frequency). This variant has not been reported in the literature in individuals affected with JUP-related conditions. Variants that disrupt the consensus splice site are a relatively common cause of aberrant splicing (PMID: 17576681, 9536098). Algorithms developed to predict the effect of sequence changes on RNA splicing suggest that this variant is not likely to affect RNA splicing. In summary, the available evidence is currently insufficient to determine the role of this variant in disease. Therefore, it has been classified as a Variant of Uncertain Significance.

Literature cited by the submitters: PubMed 17576681; PubMed 9536098.